The following is an entry in ClinVar:

ClinVar aggregate classification (germline): Uncertain significance (1 of 4 stars; one submission).

Conditions:
Cardiovascular phenotype. Identifiers: MedGen CN230736.
Hereditary cancer-predisposing syndrome. Also called: Neoplastic Syndromes, Hereditary; Tumor predisposition; Hereditary neoplastic syndrome; Hereditary Cancer Syndrome. Identifiers: Orphanet 140162, MedGen C0027672, MeSH D009386, MONDO:0015356.

Submission:

Ambry Genetics
Classification: Uncertain significance for Cardiovascular phenotype; Hereditary cancer-predisposing syndrome. Last evaluated: 2026-09-11. Review status: criteria provided, single submitter. Criteria: Ambry Variant Classification Scheme 2023. Collection method: clinical testing. Allele origin: germline.
Comment: The p.A776V variant (also known as c.2327C>T), located in coding exon 20 of the NF1 gene, results from a C to T substitution at nucleotide position 2327. The alanine at codon 776 is replaced by valine, an amino acid with similar properties. This amino acid position is highly conserved in available vertebrate species. In addition, the in silico prediction for this alteration is inconclusive. Based on the available evidence, the clinical significance of this variant remains unclear.

NM_001042492.3(NF1):c.2327C>T (p.Ala776Val)

Gene: NF1 (neurofibromin 1; plus strand). Cytogenetic location: 17q11.2.
Variant type: single nucleotide variant.
Coding change: c.2327C>T on transcript NM_001042492.3 (MANE Select); coding-DNA position 2327, C replaced by T.
Protein change: p.Ala776Val; replaces alanine 776 with valine.
Molecular consequence: missense variant.
Genome position (GRCh38, 1-based): chr17:31,227,524, C>T. VCF-style: chr17-31227524-C-T. GRCh37 (hg19) VCF-style: chr17-29554542-C-T.
Other names: c.2327C>T, p.Ala776Val (NM_000267.4); short protein forms A776V.
Identifiers: ClinVar variation 5025658 (VCV005025658.1).